The following is an entry in ClinVar:

NM_020779.4(WDR35):c.1972C>T (p.Arg658Trp)

Gene: WDR35 (WD repeat domain 35; minus strand). Cytogenetic location: 2p24.1.
Variant type: single nucleotide variant.
Coding change: c.1972C>T on transcript NM_020779.4 (MANE Select); coding-DNA position 1972, C replaced by T.
Protein change: p.Arg658Trp; replaces arginine 658 with tryptophan.
Molecular consequence: missense variant.
Genome position (GRCh38, 1-based): chr2:19,938,356, G>A on the plus strand (C>T on the coding strand, the complement: WDR35 is on the minus strand). VCF-style: chr2-19938356-G-A. GRCh37 (hg19) VCF-style: chr2-20138117-G-A.
Other names: c.2005C>T, p.Arg669Trp (NM_001006657.2); short protein forms R658W, R669W.
Identifiers: ClinVar variation 938379 (VCV000938379.6), dbSNP rs754056303, ClinGen allele CA1543073.

ClinVar aggregate classification (germline): Uncertain significance (1 of 4 stars; one submission).

Conditions:
Cranioectodermal dysplasia 2 (CED2). Identifiers: Orphanet 1515, MedGen C3150874, MONDO:0013323, OMIM 613610.
Short-rib thoracic dysplasia 7 with or without polydactyly (SRTD7). Also called: Short rib polydactyly syndrome 5; SHORT-RIB THORACIC DYSPLASIA 7 WITH POLYDACTYLY. Identifiers: Orphanet 498497, Orphanet 93271, MedGen C3279792, MONDO:0013569, OMIM 614091.

Allele frequency attached by ClinVar (database versions not stated): TOPMed below 0.00001; ExAC 0.00001; gnomAD exomes 0.00001 and 0.00002.
gnomAD v4.1: 9 of 1,613,950 alleles (0.00056%); highest among the groups gnomAD compares: Admixed American, 0.005%; no homozygotes.

Submission:

Labcorp Genetics (formerly Invitae), Labcorp
Classification: Uncertain significance for Cranioectodermal dysplasia 2; Short-rib thoracic dysplasia 7 with or without polydactyly. Last evaluated: 2023-11-13. Review status: criteria provided, single submitter. Criteria: Invitae Variant Classification Sherloc (09022015). Collection method: clinical testing. Allele origin: germline.
Comment: This sequence change replaces arginine, which is basic and polar, with tryptophan, which is neutral and slightly polar, at codon 669 of the WDR35 protein (p.Arg669Trp). This variant is present in population databases (rs754056303, gnomAD 0.01%). This variant has not been reported in the literature in individuals affected with WDR35-related conditions. ClinVar contains an entry for this variant (Variation ID: 938379). Advanced modeling of protein sequence and biophysical properties (such as structural, functional, and spatial information, amino acid conservation, physicochemical variation, residue mobility, and thermodynamic stability) has been performed at Invitae for this missense variant, however the output from this modeling did not meet the statistical confidence thresholds required to predict the impact of this variant on WDR35 protein function. In summary, the available evidence is currently insufficient to determine the role of this variant in disease. Therefore, it has been classified as a Variant of Uncertain Significance.